The following is an entry in ClinVar:

NM_004304.5(ALK):c.2403A>G (p.Ile801Met)

Gene: ALK (ALK receptor tyrosine kinase; minus strand). Cytogenetic location: 2p23.2.
Variant type: single nucleotide variant.
Coding change: c.2403A>G on transcript NM_004304.5 (MANE Select); coding-DNA position 2403, A replaced by G.
Protein change: p.Ile801Met; replaces isoleucine 801 with methionine.
Molecular consequence: missense variant.
Genome position (GRCh38, 1-based): chr2:29,233,649, T>C on the plus strand (A>G on the coding strand, the complement: ALK is on the minus strand). VCF-style: chr2-29233649-T-C. GRCh37 (hg19) VCF-style: chr2-29456515-T-C.
Other names: short protein forms I801M.
Identifiers: ClinVar variation 3286434 (VCV003286434.3).

ClinVar aggregate classification (germline): Uncertain significance. Review status: criteria provided, multiple submitters, no conflicts (2 of 4 stars). 2 submissions from 2 submitters: Uncertain significance (2). Last evaluated 2024-07-19.

Conditions:
Hereditary cancer-predisposing syndrome. Also called: Neoplastic Syndromes, Hereditary; Hereditary neoplastic syndrome; Tumor predisposition; Hereditary Cancer Syndrome. Identifiers: Orphanet 140162, MedGen C0027672, MeSH D009386, MONDO:0015356.
Neuroblastoma, susceptibility to, 3. Also called: ALK-Related Neuroblastic Tumor Susceptibility. Identifiers: Orphanet 635, MedGen C2751681, MONDO:0013083, OMIM 613014.

Submissions (2):

Labcorp Genetics (formerly Invitae), Labcorp
Classification: Uncertain significance for Neuroblastoma, susceptibility to, 3. Last evaluated: 2024-07-19. Review status: criteria provided, single submitter. Criteria: Invitae Variant Classification Sherloc (09022015). Collection method: clinical testing. Allele origin: germline.
Comment: This sequence change replaces isoleucine, which is neutral and non-polar, with methionine, which is neutral and non-polar, at codon 801 of the ALK protein (p.Ile801Met). This variant is not present in population databases (gnomAD no frequency). This variant has not been reported in the literature in individuals affected with ALK-related conditions. An algorithm developed to predict the effect of missense changes on protein structure and function (PolyPhen-2) suggests that this variant is likely to be disruptive. In summary, the available evidence is currently insufficient to determine the role of this variant in disease. Therefore, it has been classified as a Variant of Uncertain Significance.

Ambry Genetics
Classification: Uncertain significance for Hereditary cancer-predisposing syndrome. Last evaluated: 2024-06-07. Review status: criteria provided, single submitter. Criteria: Ambry Variant Classification Scheme 2023. Collection method: clinical testing. Allele origin: germline.
Comment: The p.I801M variant (also known as c.2403A>G), located in coding exon 14 of the ALK gene, results from an A to G substitution at nucleotide position 2403. The isoleucine at codon 801 is replaced by methionine, an amino acid with highly similar properties. This amino acid position is conserved. In addition, this alteration is predicted to be tolerated by in silico analysis. Based on the available evidence, the clinical significance of this variant remains unclear.